The following is an entry in ClinVar:

ClinVar aggregate classification (germline): Conflicting classifications of pathogenicity. Review status: criteria provided, conflicting classifications (1 of 4 stars). 6 submissions from 6 submitters: Uncertain significance (4); Likely benign (2). Last evaluated 2025-08-18.

Conditions:
Hereditary cancer-predisposing syndrome. Also called: Hereditary neoplastic syndrome; Neoplastic Syndromes, Hereditary; Tumor predisposition; Hereditary Cancer Syndrome. Identifiers: Orphanet 140162, MedGen C0027672, MeSH D009386, MONDO:0015356.
Fanconi anemia complementation group J. Also called: BRIP1-Related Fanconi Anemia. Identifiers: Orphanet 84, MedGen C1836860, MONDO:0012187, OMIM 609054.
Familial cancer of breast. Also called: BREAST CANCER, FAMILIAL; Hereditary breast cancer; hereditary breast carcinoma. Identifiers: Orphanet 227535, MedGen C0346153, MONDO:0016419, OMIM 114480. Disease mechanism: loss of function.

Allele frequency attached by ClinVar (database versions not stated): gnomAD exomes below 0.00001; TOPMed below 0.00001; gnomAD 0.00001.
gnomAD v4.1: 3 of 1,611,676 alleles (0.00019%); highest among the groups gnomAD compares: African/African-American, 0.0027%; no homozygotes.

Submissions (6):

Labcorp Genetics (formerly Invitae), Labcorp
Classification: Uncertain significance for Familial cancer of breast; Fanconi anemia complementation group J. Last evaluated: 2025-08-18. Review status: criteria provided, single submitter. Criteria: Invitae Variant Classification Sherloc (09022015). Collection method: clinical testing. Allele origin: germline.
Comment: This sequence change replaces isoleucine, which is neutral and non-polar, with methionine, which is neutral and non-polar, at codon 1231 of the BRIP1 protein (p.Ile1231Met). This variant is present in population databases (no rsID available, gnomAD 0.004%). This missense change has been observed in individual(s) with breast cancer (PMID: 35264596, 35534704). ClinVar contains an entry for this variant (Variation ID: 483173). Invitae Evidence Modeling of protein sequence and biophysical properties (such as structural, functional, and spatial information, amino acid conservation, physicochemical variation, residue mobility, and thermodynamic stability) indicates that this missense variant is not expected to disrupt BRIP1 protein function with a negative predictive value of 95%. RNA analysis performed to evaluate the impact of this missense change on mRNA splicing indicates it does not significantly alter splicing (internal data). In summary, the available evidence is currently insufficient to determine the role of this variant in disease. Therefore, it has been classified as a Variant of Uncertain Significance.

Ambry Genetics
Classification: Likely benign for Hereditary cancer-predisposing syndrome. Last evaluated: 2025-07-02. Review status: criteria provided, single submitter. Criteria: Ambry Variant Classification Scheme 2023. Collection method: clinical testing. Allele origin: germline.

GeneDx
Classification: Uncertain significance. Last evaluated: 2025-03-31. Review status: criteria provided, single submitter. Criteria: GeneDx Variant Classification Process June 2021. Collection method: clinical testing. Allele origin: germline. Affected: yes.
Comment: In silico analysis indicates that this missense variant does not alter protein structure/function; Not observed at significant frequency in large population cohorts (gnomAD); In silico analysis suggests this variant may impact gene splicing. In the absence of RNA/functional studies, the actual effect of this sequence change is unknown.; This variant is associated with the following publications: (PMID: 35264596, 35534704)

Quest Diagnostics Nichols Institute San Juan Capistrano
Classification: Uncertain significance. Last evaluated: 2024-12-20. Review status: criteria provided, single submitter. Criteria: Quest Diagnostics criteria. Collection method: clinical testing. Allele origin: unknown.
Comment: The BRIP1 c.3693A>G (p.Ile1231Met) variant has been reported in the published literature in individuals affected with breast cancer (PMID: 35264596 (2022), 35534704 (2022)). The frequency of this variant in the general population (Genome Aggregation Database) is uninformative in the assessment of its pathogenicity. Analysis of this variant using bioinformatics tools for the prediction of the effect of amino acid changes on protein structure and function yielded predictions that this variant is benign. Based on the available information, we are unable to determine the clinical significance of this variant.

Mendelics
Classification: Likely benign for Familial cancer of breast. Last evaluated: 2024-04-09. Review status: criteria provided, single submitter. Criteria: ACMG Guidelines, 2015. Collection method: clinical testing. Allele origin: unknown.

Laboratorio de Genetica e Diagnostico Molecular, Hospital Israelita Albert Einstein
Classification: Uncertain significance for Familial cancer of breast. Last evaluated: 2022-08-12. Review status: criteria provided, single submitter. Criteria: ACMG Guidelines, 2015. Collection method: clinical testing. Allele origin: germline. Affected: yes. Observed: 1 variant allele.
Comment: ACMG classification criteria: PM2 moderated, BP4 supporting

Literature cited by the submitters: PubMed 35264596 (cited by Labcorp Genetics (formerly Invitae), Labcorp and Quest Diagnostics Nichols Institute San Juan Capistrano); PubMed 35534704 (cited by Labcorp Genetics (formerly Invitae), Labcorp and Quest Diagnostics Nichols Institute San Juan Capistrano).

NM_032043.3(BRIP1):c.3693A>G (p.Ile1231Met)

Gene: BRIP1 (BRCA1 interacting DNA helicase 1; minus strand). Cytogenetic location: 17q23.2.
Variant type: single nucleotide variant.
Coding change: c.3693A>G on transcript NM_032043.3 (MANE Select); coding-DNA position 3693, A replaced by G.
Protein change: p.Ile1231Met; replaces isoleucine 1231 with methionine.
Molecular consequence: missense variant.
Genome position (GRCh38, 1-based): chr17:61,683,353, T>C on the plus strand (A>G on the coding strand, the complement: BRIP1 is on the minus strand). VCF-style: chr17-61683353-T-C. GRCh37 (hg19) VCF-style: chr17-59760714-T-C.
Other names: short protein forms I1231M.
Identifiers: ClinVar variation 483173 (VCV000483173.21), dbSNP rs1046992728, ClinGen allele CA292267084.